The following is an entry in ClinVar:

ClinVar aggregate classification (germline): Uncertain significance (1 of 4 stars; one submission).

Conditions:
Early-infantile DEE. Also called: Ohtahara syndrome; Early infantile epileptic encephalopathy; Early infantile epileptic encephalopathy with suppression bursts. Identifiers: Orphanet 1934, MedGen C0393706, MONDO:0800491.

Submission:

Labcorp Genetics (formerly Invitae), Labcorp
Classification: Uncertain significance for Early-infantile DEE. Last evaluated: 2023-09-20. Review status: criteria provided, single submitter. Criteria: Invitae Variant Classification Sherloc (09022015). Collection method: clinical testing. Allele origin: germline.
Comment: In summary, the available evidence is currently insufficient to determine the role of this variant in disease. Therefore, it has been classified as a Variant of Uncertain Significance. Advanced modeling of protein sequence and biophysical properties (such as structural, functional, and spatial information, amino acid conservation, physicochemical variation, residue mobility, and thermodynamic stability) has been performed at Invitae for this missense variant, however the output from this modeling did not meet the statistical confidence thresholds required to predict the impact of this variant on SPTAN1 protein function. This sequence change replaces tryptophan, which is neutral and slightly polar, with cysteine, which is neutral and slightly polar, at codon 1106 of the SPTAN1 protein (p.Trp1106Cys). This variant is not present in population databases (gnomAD no frequency). This variant has not been reported in the literature in individuals affected with SPTAN1-related conditions.

NM_001130438.3(SPTAN1):c.3318G>C (p.Trp1106Cys)

Gene: SPTAN1 (spectrin alpha, non-erythrocytic 1; plus strand). Cytogenetic location: 9q34.11.
Variant type: single nucleotide variant.
Coding change: c.3318G>C on transcript NM_001130438.3 (MANE Select); coding-DNA position 3318, G replaced by C.
Protein change: p.Trp1106Cys; replaces tryptophan 1106 with cysteine.
Molecular consequence: missense variant.
Genome position (GRCh38, 1-based): chr9:128,594,277, G>C. VCF-style: chr9-128594277-G-C. GRCh37 (hg19) VCF-style: chr9-131356556-G-C.
Other names: c.3258G>C, p.Trp1086Cys (NM_001195532.2, NM_001363765.2, NM_001375314.2); c.3318G>C, p.Trp1106Cys (NM_001363759.2, NM_001375310.1, NM_001375311.2 and 2 more transcripts); c.3354G>C, p.Trp1118Cys (NM_001375312.2, NM_001375318.1); short protein forms W1086C, W1106C, W1118C.
Identifiers: ClinVar variation 2762140 (VCV002762140.3), dbSNP rs2541453209, ClinGen allele CA375061972.